The following is an entry in ClinVar:

ClinVar aggregate classification (germline): Uncertain significance (1 of 4 stars; one submission).

Submission:

Labcorp Genetics (formerly Invitae), Labcorp
Classification: Uncertain significance. Last evaluated: 2025-06-16. Review status: criteria provided, single submitter. Criteria: Invitae Variant Classification Sherloc (09022015). Collection method: clinical testing. Allele origin: germline.
Comment: This sequence change affects codon 704 of the ADGRE2 mRNA. It is a 'silent' change, meaning that it does not change the encoded amino acid sequence of the ADGRE2 protein. This variant is not present in population databases (gnomAD no frequency). This variant has not been reported in the literature in individuals affected with ADGRE2-related conditions. ClinVar contains an entry for this variant (Variation ID: 2018087). Algorithms developed to predict the effect of sequence changes on RNA splicing suggest that this variant may disrupt the consensus splice site. In summary, the available evidence is currently insufficient to determine the role of this variant in disease. Therefore, it has been classified as a Variant of Uncertain Significance.

NM_013447.4(ADGRE2):c.2112G>A (p.Leu704=)

Gene: ADGRE2 (adhesion G protein-coupled receptor E2; minus strand). Cytogenetic location: 19p13.12.
Variant type: single nucleotide variant.
Coding change: c.2112G>A on transcript NM_013447.4 (MANE Select); coding-DNA position 2112, G replaced by A.
Protein change: p.Leu704=; no amino-acid change (leucine 704 retained).
Molecular consequence: synonymous variant.
Genome position (GRCh38, 1-based): chr19:14,746,303, C>T on the plus strand (G>A on the coding strand, the complement: ADGRE2 is on the minus strand). VCF-style: chr19-14746303-C-T. GRCh37 (hg19) VCF-style: chr19-14857115-C-T.
Other names: c.1833G>A, p.Leu611= (NM_152917.2); c.1938G>A, p.Leu646= (NM_001271052.1); c.1965G>A, p.Leu655= (NM_152916.2).
Identifiers: ClinVar variation 2018087 (VCV002018087.4), dbSNP rs2512974988, ClinGen allele CA505706754.